The following is an entry in ClinVar:

ClinVar aggregate classification (germline): Pathogenic (1 of 4 stars; one submission).

Conditions:
Severe myoclonic epilepsy in infancy (DRVT). Also called: Epileptic encephalopathy, early infantile, 6 (Dravet syndrome); SEVERE MYOCLONIC EPILEPSY OF INFANCY; DEVELOPMENTAL AND EPILEPTIC ENCEPHALOPATHY 6A; Severe Myoclonic Epilepsy in Infancy (SMEI); Dravet syndrome. Identifiers: Orphanet 33069, MedGen C0751122, MONDO:0100135, OMIM 607208.

Submission:

Center for Bioinformatics, Peking University
Classification: Pathogenic for Dravet syndrome. Last evaluated: 2014-12-20. Review status: criteria provided, single submitter. Criteria: Xu et al. (Hum Mutat. 2015). Collection method: research. Allele origin: de novo. Affected: yes. Observed: 1 variant allele. Study: University Clinical Cooperation “985 Project” PKU-2014-1-1.
Comment: Dravet syndrome (DS) probands were recruited from the outpatient and inpatient child neurology units of Peking University First Hospital from 2005 till present. The study was approved by the Ethics Committee of Peking University First Hospital and the Institutional Review Board at Peking University. Participants or their parents provided written informed consent before enrollment. We collected a total of 267 mutations from 255 families with probands diagnosed with DS in China. All probands fulfilled the clinical diagnostic criteria.

NM_001165963.4(SCN1A):c.5297_5298del (p.Phe1766fs)

Genes: SCN1A (sodium voltage-gated channel alpha subunit 1; minus strand), LOC102724058 (uncharacterized LOC102724058; plus strand). Cytogenetic location: 2q24.3.
Variant type: Deletion.
Coding change: c.5297_5298del on transcript NM_001165963.4 (MANE Select); coding-DNA positions 5297 to 5298, 2 bases deleted (TT; older notation c.5297_5298delTT).
Protein change: p.Phe1766fs; shifts the reading frame from phenylalanine 1766.
Molecular consequence: frameshift variant. On other transcripts: non-coding transcript variant (1).
Genome position (GRCh38, 1-based): chr2:165,991,977-165,991,978, AA deleted on the plus strand (TT on the coding strand, the reverse complement: SCN1A is on the minus strand); deleting any 2 consecutive bases within chr2:165,991,977-165,991,982 gives the same sequence; the c. name uses the placement nearest the transcript's 3' end. VCF-style (leftmost placement, unchanged base first): chr2-165991976-CAA-C. GRCh37 (hg19) VCF-style: chr2-166848486-CAA-C.
Other names: c.5213_5214del, p.Phe1738fs (NM_001165964.3, NM_001353957.2, NM_001353958.2); c.5297_5298del, p.Phe1766fs (NM_001202435.3, NM_001353948.2); c.5264_5265del, p.Phe1755fs (NM_001353949.2, NM_001353950.2, NM_001353951.2 and 2 more transcripts); c.5261_5262del, p.Phe1754fs (NM_001353954.2, NM_001353955.2); c.5210_5211del, p.Phe1737fs (NM_001353960.2); c.2855_2856del, p.Phe952fs (NM_001353961.2); short protein forms F1766fs, F1737fs, F1738fs, F1754fs, F1755fs, F952fs.
Identifiers: ClinVar variation 190003 (VCV000190003.1), dbSNP rs794726832, ClinGen allele CA303525.